The following is an entry in ClinVar:

NM_000222.3(KIT):c.2724T>A (p.Asp908Glu)

Gene: KIT (KIT proto-oncogene, receptor tyrosine kinase; plus strand). Cytogenetic location: 4q12.
Variant type: single nucleotide variant.
Coding change: c.2724T>A on transcript NM_000222.3 (MANE Select); coding-DNA position 2724, T replaced by A.
Protein change: p.Asp908Glu; replaces aspartic acid 908 with glutamic acid.
Molecular consequence: missense variant.
Genome position (GRCh38, 1-based): chr4:54,737,202, T>A. VCF-style: chr4-54737202-T-A. GRCh37 (hg19) VCF-style: chr4-55603368-T-A.
Other names: c.2712T>A, p.Asp904Glu (NM_001093772.2, NM_001385292.1); c.2727T>A, p.Asp909Glu (NM_001385284.1); c.2721T>A, p.Asp907Glu (NM_001385285.1); c.2709T>A, p.Asp903Glu (NM_001385286.1); c.2715T>A, p.Asp905Glu (NM_001385288.1); c.2724T>A, p.Asp908Glu (NM_001385290.1); short protein forms D903E, D904E, D905E, D907E, D908E, D909E.
Identifiers: ClinVar variation 3730183 (VCV003730183.3).

ClinVar aggregate classification (germline): Uncertain significance. Review status: criteria provided, multiple submitters, no conflicts (2 of 4 stars). 2 submissions from 2 submitters: Uncertain significance (2). Last evaluated 2026-07-09.

Conditions:
Gastrointestinal stromal tumor. Also called: Gastrointestinal stromal tumor, somatic; Gastrointestinal stroma tumor. Identifiers: Orphanet 44890, MedGen C0238198, MeSH D046152, MONDO:0011719, OMIM 606764, HP:0100723.
Hereditary cancer-predisposing syndrome. Also called: Tumor predisposition; Hereditary neoplastic syndrome; Hereditary Cancer Syndrome; Neoplastic Syndromes, Hereditary. Identifiers: Orphanet 140162, MedGen C0027672, MeSH D009386, MONDO:0015356.

Submissions (2):

Ambry Genetics
Classification: Uncertain significance for Hereditary cancer-predisposing syndrome. Last evaluated: 2026-07-09. Review status: criteria provided, single submitter. Criteria: Ambry Variant Classification Scheme 2023. Collection method: clinical testing. Allele origin: germline.
Comment: The p.D908E variant (also known as c.2724T>A), located in coding exon 20 of the KIT gene, results from a T to A substitution at nucleotide position 2724. The aspartic acid at codon 908 is replaced by glutamic acid, an amino acid with highly similar properties. This amino acid position is not well conserved in available vertebrate species. In addition, this alteration is predicted to be tolerated by in silico analysis. Based on the available evidence, the clinical significance of this variant remains unclear.

Labcorp Genetics (formerly Invitae), Labcorp
Classification: Uncertain significance for Gastrointestinal stromal tumor. Last evaluated: 2024-09-06. Review status: criteria provided, single submitter. Criteria: Invitae Variant Classification Sherloc (09022015). Collection method: clinical testing. Allele origin: germline.
Comment: This sequence change replaces aspartic acid, which is acidic and polar, with glutamic acid, which is acidic and polar, at codon 908 of the KIT protein (p.Asp908Glu). This variant is not present in population databases (gnomAD no frequency). This variant has not been reported in the literature in individuals affected with KIT-related conditions. An algorithm developed to predict the effect of missense changes on protein structure and function (PolyPhen-2) suggests that this variant is likely to be tolerated. In summary, the available evidence is currently insufficient to determine the role of this variant in disease. Therefore, it has been classified as a Variant of Uncertain Significance.